The following is an entry in ClinVar:

ClinVar aggregate classification (germline): Likely benign (1 of 4 stars; one submission).

Submission:

GeneDx
Classification: Likely benign. Last evaluated: 2015-12-21. Review status: criteria provided, single submitter. Criteria: GeneDx Variant Classification (06012015). Collection method: clinical testing. Allele origin: germline. Affected: yes.
Comment: This variant is considered likely benign or benign based on one or more of the following criteria: it is a conservative change, it occurs at a poorly conserved position in the protein, it is predicted to be benign by multiple in silico algorithms, and/or has population frequency not consistent with disease.

NM_078470.6(COX15):c.582+15A>G

Gene: COX15 (cytochrome c oxidase assembly homolog COX15; minus strand). Cytogenetic location: 10q24.2.
Variant type: single nucleotide variant.
Coding change: c.582+15A>G on transcript NM_078470.6 (MANE Select); 15 bases into the intron after coding-DNA position 582, A replaced by G.
Molecular consequence: intron variant.
Genome position (GRCh38, 1-based): chr10:99,726,953, T>C on the plus strand (A>G on the coding strand, the complement: COX15 is on the minus strand). VCF-style: chr10-99726953-T-C. GRCh37 (hg19) VCF-style: chr10-101486710-T-C.
Other names: c.582+15A>G (NM_001320975.2, NM_001372027.1, NM_004376.7 and 5 more transcripts); c.45+15A>G (NM_001320976.2).
Identifiers: ClinVar variation 381824 (VCV000381824.1), dbSNP rs1057521181, ClinGen allele CA16606122.
Genomic context (GRCh38, chr10:99,726,953, plus strand): 5'-AAAAAAAAAAAAAACAATGCCAACTAGGAAGCTCCTGGGAGCATTTCTGGTTTCTCAACC[T>C]TGAATAAATCTTACCTGGAAGCAGACGAGGCCACAGAGGGCAAGAACACGTCCTTTCATG-3'